The following is an entry in ClinVar:

ClinVar aggregate classification (germline): Uncertain significance (1 of 4 stars; one submission).

gnomAD v4.1: 2 of 780,670 alleles (0.00026%); highest among the groups gnomAD compares: Admixed American, 0.0034%; no homozygotes.

Submission:

Labcorp Genetics (formerly Invitae), Labcorp
Classification: Uncertain significance. Last evaluated: 2025-03-18. Review status: criteria provided, single submitter. Criteria: Invitae Variant Classification Sherloc (09022015). Collection method: clinical testing. Allele origin: germline.
Comment: This sequence change replaces arginine, which is basic and polar, with histidine, which is basic and polar, at codon 1086 of the ADCY1 protein (p.Arg1086His). This variant is present in population databases (no rsID available, gnomAD 0.003%). This variant has not been reported in the literature in individuals affected with ADCY1-related conditions. An algorithm developed to predict the effect of missense changes on protein structure and function outputs the following: PolyPhen-2: "Benign". The histidine amino acid residue is found in multiple mammalian species, which suggests that this missense change does not adversely affect protein function. In summary, the available evidence is currently insufficient to determine the role of this variant in disease. Therefore, it has been classified as a Variant of Uncertain Significance.

NM_021116.4(ADCY1):c.3257G>A (p.Arg1086His)

Gene: ADCY1 (adenylate cyclase 1; plus strand). Cytogenetic location: 7p12.3.
Variant type: single nucleotide variant.
Coding change: c.3257G>A on transcript NM_021116.4 (MANE Select); coding-DNA position 3257, G replaced by A.
Protein change: p.Arg1086His; replaces arginine 1086 with histidine.
Molecular consequence: missense variant.
Genome position (GRCh38, 1-based): chr7:45,713,892, G>A. VCF-style: chr7-45713892-G-A. GRCh37 (hg19) VCF-style: chr7-45753491-G-A.
Other names: short protein forms R1086H.
Identifiers: ClinVar variation 4698673 (VCV004698673.1).